The following is an entry in ClinVar:

NM_014780.5(CUL7):c.2978C>T (p.Ala993Val)

Gene: CUL7 (cullin 7; minus strand). Cytogenetic location: 6p21.1.
Variant type: single nucleotide variant.
Coding change: c.2978C>T on transcript NM_014780.5 (MANE Select); coding-DNA position 2978, C replaced by T.
Protein change: p.Ala993Val; replaces alanine 993 with valine.
Molecular consequence: missense variant.
Genome position (GRCh38, 1-based): chr6:43,045,287, G>A on the plus strand (C>T on the coding strand, the complement: CUL7 is on the minus strand). VCF-style: chr6-43045287-G-A. GRCh37 (hg19) VCF-style: chr6-43013025-G-A.
Other names: c.3074C>T, p.Ala1025Val (NM_001168370.2, NM_001374872.1); c.2978C>T, p.Ala993Val (NM_001374873.1, NM_001374874.1); c.2978C>T (NM_014780.4); short protein forms A1025V, A993V.
Identifiers: ClinVar variation 2177639 (VCV002177639.3), dbSNP rs944493663, ClinGen allele CA138245781.

ClinVar aggregate classification (germline): Uncertain significance. Review status: criteria provided, multiple submitters, no conflicts (2 of 4 stars). 2 submissions from 2 submitters: Uncertain significance (2). Last evaluated 2025-08-29.

Conditions:
Inborn genetic diseases. Identifiers: MedGen C0950123, MeSH D030342.

Allele frequency attached by ClinVar (database versions not stated): gnomAD exomes 0.00001; gnomAD 0.00002; TOPMed 0.00006.

Submissions (2):

Ambry Genetics
Classification: Uncertain significance for Inborn genetic diseases. Last evaluated: 2025-08-29. Review status: criteria provided, single submitter. Criteria: Ambry Variant Classification Scheme 2023. Collection method: clinical testing. Allele origin: germline.

Labcorp Genetics (formerly Invitae), Labcorp
Classification: Uncertain significance. Last evaluated: 2023-08-10. Review status: criteria provided, single submitter. Criteria: Invitae Variant Classification Sherloc (09022015). Collection method: clinical testing. Allele origin: germline.
Comment: This sequence change replaces alanine, which is neutral and non-polar, with valine, which is neutral and non-polar, at codon 993 of the CUL7 protein (p.Ala993Val). This variant is present in population databases (no rsID available, gnomAD 0.002%). This variant has not been reported in the literature in individuals affected with CUL7-related conditions. ClinVar contains an entry for this variant (Variation ID: 2177639). Advanced modeling of protein sequence and biophysical properties (such as structural, functional, and spatial information, amino acid conservation, physicochemical variation, residue mobility, and thermodynamic stability) performed at Invitae indicates that this missense variant is not expected to disrupt CUL7 protein function. In summary, the available evidence is currently insufficient to determine the role of this variant in disease. Therefore, it has been classified as a Variant of Uncertain Significance.